The following is an entry in ClinVar:

ClinVar aggregate classification (germline): Uncertain significance. Review status: criteria provided, multiple submitters, no conflicts (2 of 4 stars). 2 submissions from 2 submitters: Uncertain significance (2). Last evaluated 2022-08-23.

Conditions:
Inborn genetic diseases. Identifiers: MedGen C0950123, MeSH D030342.

Allele frequency attached by ClinVar (database versions not stated): ExAC 0.00002; gnomAD 0.00003; gnomAD exomes 0.00004; TOPMed 0.00004.
gnomAD v4.1: 57 of 1,605,534 alleles (0.0036%); highest among the groups gnomAD compares: Admixed American, 0.0051%; no homozygotes.

Submissions (2):

Labcorp Genetics (formerly Invitae), Labcorp
Classification: Uncertain significance. Last evaluated: 2022-08-23. Review status: criteria provided, single submitter. Criteria: Invitae Variant Classification Sherloc (09022015). Collection method: clinical testing. Allele origin: germline.
Comment: This sequence change replaces aspartic acid, which is acidic and polar, with asparagine, which is neutral and polar, at codon 486 of the BMP1 protein (p.Asp486Asn). This variant is present in population databases (rs762194330, gnomAD 0.005%). This variant has not been reported in the literature in individuals affected with BMP1-related conditions. Algorithms developed to predict the effect of missense changes on protein structure and function are either unavailable or do not agree on the potential impact of this missense change (SIFT: "Deleterious"; PolyPhen-2: "Benign"; Align-GVGD: "Class C15"). In summary, the available evidence is currently insufficient to determine the role of this variant in disease. Therefore, it has been classified as a Variant of Uncertain Significance.

Ambry Genetics
Classification: Uncertain significance for Inborn genetic diseases. Last evaluated: 2021-09-01. Review status: criteria provided, single submitter. Criteria: Ambry Variant Classification Scheme 2023. Collection method: clinical testing. Allele origin: germline.

NM_006129.5(BMP1):c.1456G>A (p.Asp486Asn)

Genes: BMP1 (bone morphogenetic protein 1; plus strand), LOC113788269 (BRD4-independent group 4 enhancer GRCh37_chr8:22052064-22053263; plus strand). Cytogenetic location: 8p21.3.
Variant type: single nucleotide variant.
Coding change: c.1456G>A on transcript NM_006129.5 (MANE Select); coding-DNA position 1456, G replaced by A.
Protein change: p.Asp486Asn; replaces aspartic acid 486 with asparagine.
Molecular consequence: missense variant. On other transcripts: non-coding transcript variant (2).
Genome position (GRCh38, 1-based): chr8:22,194,736, G>A. VCF-style: chr8-22194736-G-A. GRCh37 (hg19) VCF-style: chr8-22052249-G-A.
Other names: c.1456G>A, p.Asp486Asn (NM_001199.4); c.1456G>A (NM_006129.4); short protein forms D486N.
Identifiers: ClinVar variation 2161791 (VCV002161791.2), dbSNP rs762194330, ClinGen allele CA4664687.